The following is an entry in ClinVar:

ClinVar aggregate classification (germline): Uncertain significance (1 of 4 stars; one submission).

Conditions:
Ataxia-telangiectasia syndrome (AT). Also called: LOUIS-BAR SYNDROME; Ataxia-telangiectasia; Cerebello-oculocutaneous telangiectasia; Immunodeficiency with ataxia telangiectasia; ATAXIA-TELANGIECTASIA, COMPLEMENTATION GROUP A; ATAXIA-TELANGIECTASIA, FRESNO VARIANT. Identifiers: Orphanet 100, MedGen C0004135, MONDO:0008840, OMIM 208900.

Submission:

Labcorp Genetics (formerly Invitae), Labcorp
Classification: Uncertain significance for Ataxia-telangiectasia syndrome. Last evaluated: 2023-09-27. Review status: criteria provided, single submitter. Criteria: Invitae Variant Classification Sherloc (09022015). Collection method: clinical testing. Allele origin: germline.
Comment: This sequence change replaces serine, which is neutral and polar, with proline, which is neutral and non-polar, at codon 1179 of the ATM protein (p.Ser1179Pro). This variant is not present in population databases (gnomAD no frequency). This variant has not been reported in the literature in individuals affected with ATM-related conditions. ClinVar contains an entry for this variant (Variation ID: 1491982). An algorithm developed to predict the effect of missense changes on protein structure and function (PolyPhen-2) suggests that this variant is likely to be tolerated. In summary, the available evidence is currently insufficient to determine the role of this variant in disease. Therefore, it has been classified as a Variant of Uncertain Significance.

NM_000051.4(ATM):c.3535T>C (p.Ser1179Pro)

Gene: ATM (ATM serine/threonine kinase; plus strand). Cytogenetic location: 11q22.3.
Variant type: single nucleotide variant.
Coding change: c.3535T>C on transcript NM_000051.4 (MANE Select); coding-DNA position 3535, T replaced by C.
Protein change: p.Ser1179Pro; replaces serine 1179 with proline.
Molecular consequence: missense variant.
Genome position (GRCh38, 1-based): chr11:108,281,127, T>C. VCF-style: chr11-108281127-T-C. GRCh37 (hg19) VCF-style: chr11-108151854-T-C.
Other names: c.3535T>C, p.Ser1179Pro (NM_001351834.2); short protein forms S1179P.
Identifiers: ClinVar variation 1491982 (VCV001491982.8), dbSNP rs2135669484, ClinGen allele CA382520228.